The following is an entry in ClinVar:

NM_001003722.2(GLE1):c.1402C>T (p.Leu468Phe)

Genes: GLE1 (GLE1 RNA export mediator; plus strand), LOC101929270 (uncharacterized LOC101929270; minus strand). Cytogenetic location: 9q34.11.
Variant type: single nucleotide variant.
Coding change: c.1402C>T on transcript NM_001003722.2 (MANE Select); coding-DNA position 1402, C replaced by T.
Protein change: p.Leu468Phe; replaces leucine 468 with phenylalanine.
Molecular consequence: missense variant.
Genome position (GRCh38, 1-based): chr9:128,533,602, C>T. VCF-style: chr9-128533602-C-T. GRCh37 (hg19) VCF-style: chr9-131295881-C-T.
Other names: c.1429C>T, p.Leu477Phe (NM_001411013.1); c.1402C>T, p.Leu468Phe (NM_001499.2); short protein forms L468F, L477F.
Identifiers: ClinVar variation 4881536 (VCV004881536.2).

ClinVar aggregate classification (germline): Uncertain significance (1 of 4 stars; one submission).

gnomAD v4.1: 37 of 1,613,936 alleles (0.0023%); highest among the groups gnomAD compares: Admixed American, 0.015%; no homozygotes.

Submission:

Dasa
Classification: Uncertain significance. Last evaluated: 2024-12-10. Review status: criteria provided, single submitter. Criteria: DASA Assertion Criteria. Collection method: clinical testing. Allele origin: germline.
Comment: NM_001003722.2(GLE1):c.1402C>T (p.Leu468Phe) is a missense variant that results in the substitution of leucine with phenylalanine. This variant is rare in population databases. Computational prediction algorithms are consistent with a benign effect. The currently available literature and clinical evidence are not sufficient to establish a definitive association between this variant and the reported condition. Therefore, this variant is classified as a variant of uncertain significance.